The following is an entry in ClinVar:

NM_182961.4(SYNE1):c.4603G>A (p.Glu1535Lys)

Gene: SYNE1 (spectrin repeat containing nuclear envelope protein 1; minus strand). Cytogenetic location: 6q25.2.
Variant type: single nucleotide variant.
Coding change: c.4603G>A on transcript NM_182961.4 (MANE Select); coding-DNA position 4603, G replaced by A.
Protein change: p.Glu1535Lys; replaces glutamic acid 1535 with lysine.
Molecular consequence: missense variant.
Genome position (GRCh38, 1-based): chr6:152,430,568, C>T on the plus strand (G>A on the coding strand, the complement: SYNE1 is on the minus strand). VCF-style: chr6-152430568-C-T. GRCh37 (hg19) VCF-style: chr6-152751703-C-T.
Other names: c.4624G>A, p.Glu1542Lys (NM_033071.5); short protein forms E1535K, E1542K.
Identifiers: ClinVar variation 1406632 (VCV001406632.5), dbSNP rs1209224800, ClinGen allele CA366142587.

ClinVar aggregate classification (germline): Uncertain significance (1 of 4 stars; one submission).

Conditions:
Emery-Dreifuss muscular dystrophy 4, autosomal dominant (EDMD4). Also called: EMERY-DREIFUSS MUSCULAR DYSTROPHY 4 WITH VARIABLE FEATURES. Identifiers: Orphanet 261, MedGen C2751807, MONDO:0013071, OMIM 612998.
Autosomal recessive ataxia, Beauce type. Also called: SYNE1-Related Autosomal Recessive Cerebellar Ataxia; Spinocerebellar ataxia, autosomal recessive 8; ATAXIA, RECESSIVE, OF BEAUCE; SYNE1 Deficiency. Identifiers: Orphanet 88644, MedGen C1853116, MONDO:0012549, OMIM 610743.

gnomAD v4.1: 3 of 1,614,136 alleles (0.00019%); highest among the groups gnomAD compares: South Asian, 0.0011%; no homozygotes.

Submission:

Labcorp Genetics (formerly Invitae), Labcorp
Classification: Uncertain significance for Emery-Dreifuss muscular dystrophy 4, autosomal dominant; Autosomal recessive ataxia, Beauce type. Last evaluated: 2021-08-26. Review status: criteria provided, single submitter. Criteria: Invitae Variant Classification Sherloc (09022015). Collection method: clinical testing. Allele origin: germline.
Comment: This sequence change replaces glutamic acid with lysine at codon 1542 of the SYNE1 protein (p.Glu1542Lys). The glutamic acid residue is highly conserved and there is a small physicochemical difference between glutamic acid and lysine. This variant is not present in population databases (ExAC no frequency). This variant has not been reported in the literature in individuals affected with SYNE1-related conditions. Algorithms developed to predict the effect of missense changes on protein structure and function are either unavailable or do not agree on the potential impact of this missense change (SIFT: "Deleterious"; PolyPhen-2: "Probably Damaging"; Align-GVGD: "Class C0"). In summary, the available evidence is currently insufficient to determine the role of this variant in disease. Therefore, it has been classified as a Variant of Uncertain Significance.